The following is an entry in ClinVar:

ClinVar aggregate classification (germline): Uncertain significance (1 of 4 stars; one submission).

Allele frequency attached by ClinVar (database versions not stated): gnomAD 0.00001; gnomAD exomes 0.00001; ExAC 0.00002; TOPMed 0.00002.

Submission:

Labcorp Genetics (formerly Invitae), Labcorp
Classification: Uncertain significance. Last evaluated: 2024-04-16. Review status: criteria provided, single submitter. Criteria: Invitae Variant Classification Sherloc (09022015). Collection method: clinical testing. Allele origin: germline.
Comment: This sequence change replaces arginine, which is basic and polar, with tryptophan, which is neutral and slightly polar, at codon 316 of the FTO protein (p.Arg316Trp). This variant is present in population databases (rs777196899, gnomAD 0.003%). This variant has not been reported in the literature in individuals affected with FTO-related conditions. ClinVar contains an entry for this variant (Variation ID: 1445021). Advanced modeling of protein sequence and biophysical properties (such as structural, functional, and spatial information, amino acid conservation, physicochemical variation, residue mobility, and thermodynamic stability) performed at Invitae indicates that this missense variant is not expected to disrupt FTO protein function with a negative predictive value of 80%. This variant disrupts the p.Arg316 amino acid residue in FTO. Other variant(s) that disrupt this residue have been determined to be pathogenic (PMID: 19559399). This suggests that this residue is clinically significant, and that variants that disrupt this residue are likely to be disease-causing. In summary, the available evidence is currently insufficient to determine the role of this variant in disease. Therefore, it has been classified as a Variant of Uncertain Significance.

Literature cited by the submitters: PubMed 19559399.

NM_001080432.3(FTO):c.946C>T (p.Arg316Trp)

Gene: FTO (FTO alpha-ketoglutarate dependent dioxygenase; plus strand). Cytogenetic location: 16q12.2.
Variant type: single nucleotide variant.
Coding change: c.946C>T on transcript NM_001080432.3 (MANE Select); coding-DNA position 946, C replaced by T.
Protein change: p.Arg316Trp; replaces arginine 316 with tryptophan.
Molecular consequence: missense variant.
Genome position (GRCh38, 1-based): chr16:53,873,836, C>T. VCF-style: chr16-53873836-C-T. GRCh37 (hg19) VCF-style: chr16-53907748-C-T.
Other names: c.976C>T, p.Arg326Trp (NM_001363891.2, NM_001363898.2); c.946C>T, p.Arg316Trp (NM_001363894.2, NM_001363896.2, NM_001363900.2 and 2 more transcripts); c.868C>T, p.Arg290Trp (NM_001363897.2); c.832C>T, p.Arg278Trp (NM_001363899.2); c.802C>T, p.Arg268Trp (NM_001363901.2); c.433C>T, p.Arg145Trp (NM_001363905.2); short protein forms R278W, R268W, R290W, R326W, R145W, R316W.
Identifiers: ClinVar variation 1445021 (VCV001445021.8), dbSNP rs777196899, ClinGen allele CA8058471.
Genomic context (GRCh38, chr16:53,873,836, plus strand): 5'-TTTCCTGTAGATGATCTCAATGCCACCCACCAACACTGTGTTTTGGCCGGTTCACAACCT[C>T]GGTTTAGTTCCACCCACCGAGTGGCAGAGGTAAGTGTAAATAAAAATGTGATTCACACCT-3'
Protein context (NP_001073901.1, residues 306-326): QHCVLAGSQP[Arg316Trp]FSSTHRVAEC